The following is an entry in ClinVar:

NM_033380.3(COL4A5):c.3346G>A (p.Gly1116Arg)

Gene: COL4A5 (collagen type IV alpha 5 chain; plus strand). Cytogenetic location: Xq22.3.
Variant type: single nucleotide variant.
Coding change: c.3346G>A on transcript NM_033380.3 (MANE Select); coding-DNA position 3346, G replaced by A.
Protein change: p.Gly1116Arg; replaces glycine 1116 with arginine.
Molecular consequence: missense variant.
Genome position (GRCh38, 1-based): chrX:108,655,430, G>A. VCF-style: chrX-108655430-G-A. GRCh37 (hg19) VCF-style: chrX-107898660-G-A.
Other names: c.3346G>A, p.Gly1116Arg (NM_000495.5); short protein forms G1116R.
Identifiers: ClinVar variation 1412256 (VCV001412256.8), dbSNP rs2147935344, ClinGen allele CA413857561.

ClinVar aggregate classification (germline): Pathogenic/Likely pathogenic. Review status: criteria provided, multiple submitters, no conflicts (2 of 4 stars). 3 submissions from 3 submitters: Pathogenic (2); Likely pathogenic (1). Last evaluated 2024-03-29.

Conditions:
X-linked Alport syndrome (ATS1). Also called: COL4A5-Related Nephropathy; NEPHROPATHY AND DEAFNESS, X-LINKED. Identifiers: Orphanet 63, Orphanet 88917, MedGen C4746986, MONDO:0010520, OMIM 301050.

Submissions (3):

Genomic Medicine Center of Excellence, King Faisal Specialist Hospital and Research Centre
Classification: Pathogenic for X-linked Alport syndrome. Last evaluated: 2024-03-29. Review status: criteria provided, single submitter. Criteria: ACMG Guidelines, 2015. Collection method: clinical testing. Allele origin: germline.

Labcorp Genetics (formerly Invitae), Labcorp
Classification: Pathogenic. Last evaluated: 2021-10-16. Review status: criteria provided, single submitter. Criteria: Invitae Variant Classification Sherloc (09022015). Collection method: clinical testing. Allele origin: germline.
Comment: This missense change has been observed in individual(s) with clinical features of Alport syndrome (Invitae). Advanced modeling of protein sequence and biophysical properties (such as structural, functional, and spatial information, amino acid conservation, physicochemical variation, residue mobility, and thermodynamic stability) performed at Invitae indicates that this missense variant is expected to disrupt COL4A5 protein function. This variant disrupts the triple helix domain of COL4A5. Glycine residues within the Gly-Xaa-Yaa repeats of the triple helix domain are required for the structure and stability of fibrillar collagens (PMID: 7695699, 8218237, 19344236). In COL4A5, missense variants at these glycine residues are significantly enriched in individuals with disease (PMID: 23720012, 27627812) compared to the general population (ExAC). This variant disrupts the p.Gly1116 amino acid residue in COL4A5. Other variant(s) that disrupt this residue have been observed in individuals with COL4A5-related conditions (PMID: 20378821; Invitae), which suggests that this may be a clinically significant amino acid residue. This sequence change replaces glycine with arginine at codon 1116 of the COL4A5 protein (p.Gly1116Arg). The glycine residue is highly conserved and there is a moderate physicochemical difference between glycine and arginine. This variant is not present in population databases (ExAC no frequency). For these reasons, this variant has been classified as Pathogenic.

Fulgent Genetics
Classification: Likely pathogenic for X-linked Alport syndrome. Last evaluated: 2021-09-06. Review status: criteria provided, single submitter. Criteria: ACMG Guidelines, 2015. Collection method: clinical testing. Allele origin: unknown.

Literature cited by the submitters: PubMed 7695699 (cited by Labcorp Genetics (formerly Invitae), Labcorp); PubMed 8218237 (cited by Labcorp Genetics (formerly Invitae), Labcorp); PubMed 19344236 (cited by Labcorp Genetics (formerly Invitae), Labcorp); PubMed 23720012 (cited by Labcorp Genetics (formerly Invitae), Labcorp); PubMed 27627812 (cited by Labcorp Genetics (formerly Invitae), Labcorp); PubMed 20378821 (cited by Labcorp Genetics (formerly Invitae), Labcorp).